The following is an entry in ClinVar:

ClinVar aggregate classification (germline): Uncertain significance (1 of 4 stars; one submission).

Submission:

Labcorp Genetics (formerly Invitae), Labcorp
Classification: Uncertain significance. Last evaluated: 2023-10-28. Review status: criteria provided, single submitter. Criteria: Invitae Variant Classification Sherloc (09022015). Collection method: clinical testing. Allele origin: germline.
Comment: This sequence change falls in intron 16 of the LZTR1 gene. It does not directly change the encoded amino acid sequence of the LZTR1 protein. It affects a nucleotide within the consensus splice site. This variant is not present in population databases (gnomAD no frequency). This variant has not been reported in the literature in individuals affected with LZTR1-related conditions. Variants that disrupt the consensus splice site are a relatively common cause of aberrant splicing (PMID: 17576681, 9536098). Algorithms developed to predict the effect of sequence changes on RNA splicing suggest that this variant may disrupt the consensus splice site. In summary, the available evidence is currently insufficient to determine the role of this variant in disease. Therefore, it has been classified as a Variant of Uncertain Significance.

Literature cited by the submitters: PubMed 17576681; PubMed 9536098.

NM_006767.4(LZTR1):c.1942+3A>C

Gene: LZTR1 (leucine zipper like post translational regulator 1; plus strand). Cytogenetic location: 22q11.21.
Variant type: single nucleotide variant.
Coding change: c.1942+3A>C on transcript NM_006767.4 (MANE Select); 3 bases into the intron after coding-DNA position 1942, A replaced by C.
Molecular consequence: intron variant.
Genome position (GRCh38, 1-based): chr22:20,995,029, A>C. VCF-style: chr22-20995029-A-C. GRCh37 (hg19) VCF-style: chr22-21349318-A-C.
Identifiers: ClinVar variation 2986027 (VCV002986027.2), dbSNP rs763690028, ClinGen allele CA2740094796.
Genomic context (GRCh38, chr22:20,995,029, plus strand): 5'-GTGCGGCGGAAGCAGCAGCCGCCCCCTCGCACTCCCTTGGACCAGCCAGTGGACATTGGT[A>C]GGGAGCCCCGTTCCCCTTCCCTGGGGGCTGGGAGGGATGGTGTTCATCTGCGGTAGGAGA-3'